The following is an entry in ClinVar:

ClinVar aggregate classification (germline): Uncertain significance (1 of 4 stars; one submission).

Conditions:
Neuronopathy, distal hereditary motor, autosomal recessive 5. Also called: NEUROPATHY, DISTAL HEREDITARY MOTOR, AUTOSOMAL RECESSIVE 5; Spinal muscular atrophy, distal, autosomal recessive, 5; Young adult-onset distal hereditary motor neuropathy. Identifiers: Orphanet 314485, Orphanet 443950, MedGen C4749918, MONDO:0013947, OMIM 614881.

Submission:

Labcorp Genetics (formerly Invitae), Labcorp
Classification: Uncertain significance for Neuronopathy, distal hereditary motor, autosomal recessive 5. Last evaluated: 2019-07-12. Review status: criteria provided, single submitter. Criteria: Invitae Variant Classification Sherloc (09022015). Collection method: clinical testing. Allele origin: germline.
Comment: This sequence change falls in intron 6 of the DNAJB2 gene. It does not directly change the encoded amino acid sequence of the DNAJB2 protein, but it affects a nucleotide within the consensus splice site of the intron. This variant is not present in population databases (ExAC no frequency). This variant has not been reported in the literature in individuals with DNAJB2-related conditions. Nucleotide substitutions within the consensus splice site are a relatively common cause of aberrant splicing (PMID: 17576681, 9536098). Algorithms developed to predict the effect of sequence changes on RNA splicing suggest that this variant is not likely to affect RNA splicing, but this prediction has not been confirmed by published transcriptional studies. In summary, the available evidence is currently insufficient to determine the role of this variant in disease. Therefore, it has been classified as a Variant of Uncertain Significance.

Literature cited by the submitters: PubMed 17576681; PubMed 9536098.

NM_006736.6(DNAJB2):c.446-3C>T

Gene: DNAJB2 (DnaJ heat shock protein family (Hsp40) member B2; plus strand). Cytogenetic location: 2q35.
Variant type: single nucleotide variant.
Coding change: c.446-3C>T on transcript NM_006736.6 (MANE Select); 3 bases into the intron before coding-DNA position 446, C replaced by T.
Molecular consequence: intron variant.
Genome position (GRCh38, 1-based): chr2:219,283,130, C>T. VCF-style: chr2-219283130-C-T. GRCh37 (hg19) VCF-style: chr2-220147852-C-T.
Other names: c.446-3C>T (NM_001039550.2).
Identifiers: ClinVar variation 947337 (VCV000947337.10), dbSNP rs1951921657, ClinGen allele CA1139657710.